The following is an entry in ClinVar:

NM_002541.4(OGDH):c.1979C>T (p.Ala660Val)

Gene: OGDH (oxoglutarate dehydrogenase; plus strand). Cytogenetic location: 7p13.
Variant type: single nucleotide variant.
Coding change: c.1979C>T on transcript NM_002541.4 (MANE Select); coding-DNA position 1979, C replaced by T.
Protein change: p.Ala660Val; replaces alanine 660 with valine.
Molecular consequence: missense variant.
Genome position (GRCh38, 1-based): chr7:44,696,992, C>T. VCF-style: chr7-44696992-C-T. GRCh37 (hg19) VCF-style: chr7-44736591-C-T.
Other names: c.1967C>T, p.Ala656Val (NM_001165036.2); c.2012C>T, p.Ala671Val (NM_001363523.2); short protein forms A660V, A671V, A656V.
Identifiers: ClinVar variation 2063368 (VCV002063368.2), dbSNP rs146779926, ClinGen allele CA4243987.

ClinVar aggregate classification (germline): Uncertain significance (1 of 4 stars; one submission).

Conditions:
Oxoglutaricaciduria. Identifiers: Orphanet 31, MedGen C2752074, MONDO:0008759, OMIM 203740.

Allele frequency attached by ClinVar (database versions not stated): gnomAD exomes 0.00007; ExAC 0.00018; 1000 Genomes Project 0.00020; 1000 Genomes Project 30x 0.00031; ESP Exome Variant Server 0.00038; gnomAD 0.00046.
gnomAD v4.1: 174 of 1,614,200 alleles (0.011%); highest among the groups gnomAD compares: African/African-American, 0.14%; 1 homozygote.

Submission:

Labcorp Genetics (formerly Invitae), Labcorp
Classification: Uncertain significance for Oxoglutaricaciduria. Last evaluated: 2023-12-19. Review status: criteria provided, single submitter. Criteria: Invitae Variant Classification Sherloc (09022015). Collection method: clinical testing. Allele origin: germline.
Comment: This sequence change replaces alanine, which is neutral and non-polar, with valine, which is neutral and non-polar, at codon 660 of the OGDH protein (p.Ala660Val). This variant is present in population databases (rs146779926, gnomAD 0.2%). This variant has not been reported in the literature in individuals affected with OGDH-related conditions. ClinVar contains an entry for this variant (Variation ID: 2063368). Advanced modeling of protein sequence and biophysical properties (such as structural, functional, and spatial information, amino acid conservation, physicochemical variation, residue mobility, and thermodynamic stability) performed at Invitae indicates that this missense variant is expected to disrupt OGDH protein function with a positive predictive value of 80%. In summary, the available evidence is currently insufficient to determine the role of this variant in disease. Therefore, it has been classified as a Variant of Uncertain Significance.